The following is an entry in ClinVar:

NM_001211.6(BUB1B):c.2298C>G (p.Tyr766Ter)

Gene: BUB1B (BUB1 mitotic checkpoint serine/threonine kinase B; plus strand). Cytogenetic location: 15q15.1.
Variant type: single nucleotide variant.
Coding change: c.2298C>G on transcript NM_001211.6 (MANE Select); coding-DNA position 2298, C replaced by G.
Protein change: p.Tyr766Ter; replaces tyrosine 766 with a stop codon.
Molecular consequence: nonsense.
Genome position (GRCh38, 1-based): chr15:40,210,123, C>G. VCF-style: chr15-40210123-C-G. GRCh37 (hg19) VCF-style: chr15-40502324-C-G.
Other names: short protein forms Y766*.
Identifiers: ClinVar variation 2750610 (VCV002750610.3), dbSNP rs994337239, ClinGen allele CA391694815.

ClinVar aggregate classification (germline): Pathogenic (1 of 4 stars; one submission).

Conditions:
Mosaic variegated aneuploidy syndrome 1 (MVA1). Also called: Warburton-Anyane-Yeboa syndrome. Identifiers: Orphanet 1052, MedGen C1850343, MONDO:0009759, OMIM 257300.

Submission:

Labcorp Genetics (formerly Invitae), Labcorp
Classification: Pathogenic for Mosaic variegated aneuploidy syndrome 1. Last evaluated: 2023-08-06. Review status: criteria provided, single submitter. Criteria: Invitae Variant Classification Sherloc (09022015). Collection method: clinical testing. Allele origin: germline.
Comment: This sequence change creates a premature translational stop signal (p.Tyr766*) in the BUB1B gene. It is expected to result in an absent or disrupted protein product. Loss-of-function variants in BUB1B are known to be pathogenic (PMID: 15475955, 21190457). This variant is not present in population databases (gnomAD no frequency). This variant has not been reported in the literature in individuals affected with BUB1B-related conditions. For these reasons, this variant has been classified as Pathogenic.

Literature cited by the submitters: PubMed 15475955; PubMed 21190457.